The following is an entry in ClinVar:

NM_004006.3(DMD):c.8091_8098dup (p.Lys2700fs)

Gene: DMD (dystrophin; minus strand). Cytogenetic location: Xp21.1.
Variant type: Duplication.
Coding change: c.8091_8098dup on transcript NM_004006.3 (MANE Select); coding-DNA positions 8091 to 8098, 8 bases duplicated (CCTGGAAA; older notation c.8091_8098dupCCTGGAAA).
Protein change: p.Lys2700fs; shifts the reading frame from lysine 2700.
Molecular consequence: frameshift variant.
Genome position (GRCh38, 1-based): chrX:31,627,792-31,627,799, TTTCCAGG duplicated on the plus strand (CCTGGAAA on the coding strand, the reverse complement: DMD is on the minus strand); duplicating any 8 consecutive bases within chrX:31,627,792-31,627,800 gives the same sequence; the c. name uses the placement nearest the transcript's 3' end. VCF-style (leftmost placement, unchanged base first): chrX-31627791-T-TTTTCCAGG. GRCh37 (hg19) VCF-style: chrX-31645908-T-TTTTCCAGG.
Other names: c.8067_8074dup, p.Lys2692fs (NM_000109.4); c.8079_8086dup, p.Lys2696fs (NM_004009.3); c.7722_7729dup, p.Lys2577fs (NM_004010.3); c.4068_4075dup, p.Lys1359fs (NM_004011.4); c.4059_4066dup, p.Lys1356fs (NM_004012.4); c.711_718dup, p.Lys240fs (NM_004013.3, NM_004020.4, NM_004021.3 and 2 more transcripts); short protein forms K1359fs, K240fs, K2696fs, K2692fs, K1356fs, K2577fs, K2700fs.
Identifiers: ClinVar variation 2035660 (VCV002035660.4), dbSNP rs2528279313, ClinGen allele CA2580100593.

ClinVar aggregate classification (germline): Pathogenic (1 of 4 stars; one submission).

Conditions:
Duchenne muscular dystrophy (DMD). Also called: MUSCULAR DYSTROPHY, PSEUDOHYPERTROPHIC PROGRESSIVE, DUCHENNE TYPE; Duchenne Muscular Dystrophy (DMD). Identifiers: Orphanet 98896, MedGen C0013264, MONDO:0010679, OMIM 310200.

Submission:

Labcorp Genetics (formerly Invitae), Labcorp
Classification: Pathogenic for Duchenne muscular dystrophy. Last evaluated: 2022-10-15. Review status: criteria provided, single submitter. Criteria: Invitae Variant Classification Sherloc (09022015). Collection method: clinical testing. Allele origin: germline.
Comment: For these reasons, this variant has been classified as Pathogenic. This variant has not been reported in the literature in individuals affected with DMD-related conditions. This variant is not present in population databases (gnomAD no frequency). This sequence change creates a premature translational stop signal (p.Lys2700Thrfs*29) in the DMD gene. It is expected to result in an absent or disrupted protein product. Loss-of-function variants in DMD are known to be pathogenic (PMID: 16770791, 25007885).

Literature cited by the submitters: PubMed 16770791; PubMed 25007885.